The following is an entry in ClinVar:

ClinVar aggregate classification (germline): Likely benign (1 of 4 stars; one submission).

gnomAD v4.1: 918 of 1,609,930 alleles (0.057%); highest among the groups gnomAD compares: South Asian, 0.95%; 10 homozygotes.

Submission:

CeGaT Center for Human Genetics Tuebingen
Classification: Likely benign. Last evaluated: 2025-03-01. Review status: criteria provided, single submitter. Criteria: CeGaT Center For Human Genetics Tuebingen Variant Classification Criteria Version 2. Collection method: clinical testing. Allele origin: germline. Affected: yes. Observed: 1 variant allele.
Comment: BICRA: BP4, BP7

NM_001394372.1(BICRA):c.1617G>A (p.Ala539=)

Gene: BICRA (BRD4 interacting chromatin remodeling complex associated protein; plus strand). Cytogenetic location: 19q13.33.
Variant type: single nucleotide variant.
Coding change: c.1617G>A on transcript NM_001394372.1 (MANE Select); coding-DNA position 1617, G replaced by A.
Protein change: p.Ala539=; no amino-acid change (alanine 539 retained).
Molecular consequence: synonymous variant.
Genome position (GRCh38, 1-based): chr19:47,680,787, G>A. VCF-style: chr19-47680787-G-A. GRCh37 (hg19) VCF-style: chr19-48184044-G-A.
Other names: c.1617G>A, p.Ala539= (NM_015711.3).
Identifiers: ClinVar variation 3777949 (VCV003777949.7).
Genomic context (GRCh38, chr19:47,680,787, plus strand): 5'-CCTGGCGGGCCCACTGAGCCTGGGCCCCGTGTTGGCCCCCCACTCCGGGGCCCACAGCGC[G>A]CACATCCTCTCCGCCGCTCCCATCCAGGTGGGCCAGCCTGCGCTCTTCCAGATGCCCGTG-3'
Protein context (NP_001381301.1, residues 529-549): VLAPHSGAHS[Ala539=]HILSAAPIQV